The following is an entry in ClinVar:

ClinVar aggregate classification (germline): Uncertain significance (1 of 4 stars; one submission).

Conditions:
Neurodevelopmental disorder with movement abnormalities, abnormal gait, and autistic features. Identifiers: MedGen C4693405, MONDO:0060642, OMIM 617865.

Submission:

Foundation for Research in Genetics and Endocrinology, FRIGE's Institute of Human Genetics
Classification: Uncertain significance for Neurodevelopmental disorder with movement abnormalities, abnormal gait, and autistic features. Last evaluated: 2025-01-20. Review status: criteria provided, single submitter. Criteria: ACMG Guidelines, 2015. Collection method: clinical testing. Allele origin: germline. Inheritance: Autosomal dominant inheritance. Affected: yes. Observed: 1 heterozygote.
Comment: A heterozygous missense variant in exon 8 of the ZSWIM6 gene that results in the amino acid substitution of Alanine for Proline at codon 615 was detected. The observed variant c.1843C>G (p.Pro615Ala) has not been reported in the 1000 genomes and gnomAD databases. The in-silico prediction of the variant is deleterious by fitCons. In summary, the variant meets our criteria to be classified as a variant of uncertain significance.

NM_020928.2(ZSWIM6):c.1843C>G (p.Pro615Ala)

Gene: ZSWIM6 (zinc finger SWIM-type containing 6; plus strand). Cytogenetic location: 5q12.1.
Variant type: single nucleotide variant.
Coding change: c.1843C>G on transcript NM_020928.2 (MANE Select); coding-DNA position 1843, C replaced by G.
Protein change: p.Pro615Ala; replaces proline 615 with alanine.
Molecular consequence: missense variant.
Genome position (GRCh38, 1-based): chr5:61,530,057, C>G. VCF-style: chr5-61530057-C-G. GRCh37 (hg19) VCF-style: chr5-60825884-C-G.
Other names: p.Pro615Ala; short protein forms P615A.
Identifiers: ClinVar variation 3603310 (VCV003603310.2).